The following is an entry in ClinVar:

NM_001903.5(CTNNA1):c.1656C>T (p.Val552=)

Gene: CTNNA1 (catenin alpha 1; plus strand). Cytogenetic location: 5q31.2.
Variant type: single nucleotide variant.
Coding change: c.1656C>T on transcript NM_001903.5 (MANE Select); coding-DNA position 1656, C replaced by T.
Protein change: p.Val552=; no amino-acid change (valine 552 retained).
Molecular consequence: synonymous variant.
Genome position (GRCh38, 1-based): chr5:138,924,619, C>T. VCF-style: chr5-138924619-C-T. GRCh37 (hg19) VCF-style: chr5-138260308-C-T.
Other names: c.1656C>T, p.Val552= (NM_001290307.3, NM_001323982.2, NM_001323983.1 and 2 more transcripts); c.1347C>T, p.Val449= (NM_001290309.3); c.1287C>T, p.Val429= (NM_001290310.3); c.546C>T, p.Val182= (NM_001290312.1, NM_001323987.1, NM_001323988.1 and 17 more transcripts); c.1563C>T, p.Val521= (NM_001323986.2); c.453C>T, p.Val151= (NM_001324011.1); c.303C>T, p.Val101= (NM_001324012.1, NM_001324013.1); c.207C>T, p.Val69= (NM_001324006.1, NM_001324007.1, NM_001324008.1 and 2 more transcripts).
Identifiers: ClinVar variation 3773469 (VCV003773469.2).

ClinVar aggregate classification (germline): Benign/Likely benign. Review status: criteria provided, multiple submitters, no conflicts (2 of 4 stars). 2 submissions from 2 submitters: Benign (1); Likely benign (1). Last evaluated 2025-04-22.

Conditions:
Hereditary diffuse gastric adenocarcinoma (HDGC). Also called: DIFFUSE GASTRIC AND LOBULAR BREAST CANCER SYNDROME. Identifiers: Orphanet 26106, MedGen C1708349, MONDO:0007648, OMIM 137215.

Submissions (2):

Labcorp Genetics (formerly Invitae), Labcorp
Classification: Likely benign. Last evaluated: 2025-04-22. Review status: criteria provided, single submitter. Criteria: Invitae Variant Classification Sherloc (09022015). Collection method: clinical testing. Allele origin: germline.

Myriad Genetics, Inc.
Classification: Benign for Hereditary diffuse gastric adenocarcinoma. Last evaluated: 2024-10-11. Review status: criteria provided, single submitter. Criteria: Myriad Autosomal Dominant, Autosomal Recessive and X-Linked Classification Criteria (2023). Collection method: clinical testing. Allele origin: unknown.
Comment: This variant is considered benign. This variant is a silent/synonymous amino acid change and it is not expected to impact splicing.